The following is an entry in ClinVar:

NM_000179.3(MSH6):c.140A>T (p.Asp47Val)

Gene: MSH6 (mutS homolog 6; plus strand). Cytogenetic location: 2p16.3.
Variant type: single nucleotide variant.
Coding change: c.140A>T on transcript NM_000179.3 (MANE Select); coding-DNA position 140, A replaced by T.
Protein change: p.Asp47Val; replaces aspartic acid 47 with valine.
Molecular consequence: missense variant. On other transcripts: 5 prime UTR variant (1).
Genome position (GRCh38, 1-based): chr2:47,783,373, A>T. VCF-style: chr2-47783373-A-T. GRCh37 (hg19) VCF-style: chr2-48010512-A-T.
Other names: c.140A>T, p.Asp47Val (NM_001281492.2); c.-597A>T (NM_001281493.2); short protein forms D47V.
Identifiers: ClinVar variation 1485866 (VCV001485866.10), dbSNP rs1168451622, ClinGen allele CA346734915.

ClinVar aggregate classification (germline): Conflicting classifications of pathogenicity. Review status: criteria provided, conflicting classifications (1 of 4 stars). 2 submissions from 2 submitters: Uncertain significance (1); Likely benign (1). Last evaluated 2025-11-25.

Conditions:
Hereditary nonpolyposis colorectal neoplasms. Identifiers: MedGen C0009405, MeSH D003123.
Hereditary cancer-predisposing syndrome. Also called: Hereditary neoplastic syndrome; Neoplastic Syndromes, Hereditary; Hereditary Cancer Syndrome; Tumor predisposition. Identifiers: Orphanet 140162, MedGen C0027672, MeSH D009386, MONDO:0015356.

Allele frequency attached by ClinVar (database versions not stated): gnomAD exomes below 0.00001.
gnomAD v4.1: 2 of 1,600,078 alleles (0.00012%); highest among the groups gnomAD compares: Non-Finnish European, 0.00017%; no homozygotes.

Submissions (2):

Ambry Genetics
Classification: Uncertain significance for Hereditary cancer-predisposing syndrome. Last evaluated: 2025-11-25. Review status: criteria provided, single submitter. Criteria: Ambry Variant Classification Scheme 2023. Collection method: clinical testing. Allele origin: germline.
Comment: The p.D47V variant (also known as c.140A>T), located in coding exon 1 of the MSH6 gene, results from an A to T substitution at nucleotide position 140. The aspartic acid at codon 47 is replaced by valine, an amino acid with highly dissimilar properties. This amino acid position is not conserved on limited sequence alignment. In addition, the in silico prediction for this alteration is inconclusive. Since supporting evidence is limited at this time, the clinical significance of this alteration remains unclear.

Labcorp Genetics (formerly Invitae), Labcorp
Classification: Likely benign for Hereditary nonpolyposis colorectal neoplasms. Last evaluated: 2024-07-08. Review status: criteria provided, single submitter. Criteria: Invitae Variant Classification Sherloc (09022015). Collection method: clinical testing. Allele origin: germline.